The following is an entry in ClinVar:

NM_000051.4(ATM):c.5441del (p.Leu1814fs)

Gene: ATM (ATM serine/threonine kinase; plus strand). Cytogenetic location: 11q22.3.
Variant type: Deletion.
Coding change: c.5441del on transcript NM_000051.4 (MANE Select); coding-DNA position 5441, one base deleted (T; older notation c.5441delT).
Protein change: p.Leu1814fs; shifts the reading frame from leucine 1814.
Molecular consequence: frameshift variant.
Genome position (GRCh38, 1-based): chr11:108,302,974, T deleted; the last of 6 consecutive T bases (chr11:108,302,969-108,302,974); deleting any one gives the same sequence. VCF-style (leftmost placement, unchanged base first): chr11-108302968-CT-C. GRCh37 (hg19) VCF-style: chr11-108173695-CT-C.
Other names: c.5441del, p.Leu1814fs (NM_001351834.2); short protein forms L1814fs.
Identifiers: ClinVar variation 3148748 (VCV003148748.2), dbSNP rs1555106508, ClinGen allele CA891842112.

ClinVar aggregate classification (germline): Pathogenic. Review status: criteria provided, multiple submitters, no conflicts (2 of 4 stars). 2 submissions from 2 submitters: Pathogenic (2). Last evaluated 2026-08-28.

Conditions:
Familial cancer of breast. Also called: Hereditary breast cancer; BREAST CANCER, FAMILIAL; hereditary breast carcinoma. Identifiers: Orphanet 227535, MedGen C0346153, MONDO:0016419, OMIM 114480. Disease mechanism: loss of function.
Hereditary cancer-predisposing syndrome. Also called: Tumor predisposition; Hereditary Cancer Syndrome; Neoplastic Syndromes, Hereditary; Hereditary neoplastic syndrome. Identifiers: Orphanet 140162, MedGen C0027672, MeSH D009386, MONDO:0015356.

Submissions (2):

Ambry Genetics
Classification: Pathogenic for Hereditary cancer-predisposing syndrome. Last evaluated: 2026-08-28. Review status: criteria provided, single submitter. Criteria: Ambry Variant Classification Scheme 2023. Collection method: clinical testing. Allele origin: germline.
Comment: The c.5441delT pathogenic mutation, located in coding exon 35 of the ATM gene, results from a deletion of one nucleotide at nucleotide position 5441, causing a translational frameshift with a predicted alternate stop codon (p.L1814Wfs*14). This variant is considered to be rare based on population cohorts in the Genome Aggregation Database (gnomAD). This alteration is expected to result in loss of function by premature protein truncation or nonsense-mediated mRNA decay. As such, this alteration is interpreted as a disease-causing mutation.

Myriad Genetics, Inc.
Classification: Pathogenic for Familial cancer of breast. Last evaluated: 2024-01-25. Review status: criteria provided, single submitter. Criteria: Myriad Autosomal Dominant, Autosomal Recessive and X-Linked Classification Criteria (2023). Collection method: clinical testing. Allele origin: unknown.
Comment: This variant is considered pathogenic. This variant creates a frameshift predicted to result in premature protein truncation.